The following is an entry in ClinVar:

ClinVar aggregate classification (germline): Pathogenic/Likely pathogenic. Review status: criteria provided, multiple submitters, no conflicts (2 of 4 stars). 5 submissions from 5 submitters: Pathogenic (1); Likely pathogenic (3). 1 of the submissions does not count toward it. Last evaluated 2026-09-01.

Conditions:
NDUFS1-related disorder. Also called: NDUFS1-related condition.
Mitochondrial complex I deficiency, nuclear type 5. Also called: Mitochondrial complex 1 deficiency, nuclear type 5. Identifiers: MedGen C4748754, MONDO:0032610, OMIM 618226.

Allele frequency attached by ClinVar (database versions not stated): ExAC 0.00001; gnomAD 0.00001; gnomAD exomes 0.00001; TOPMed 0.00001; ESP Exome Variant Server 0.00015.
gnomAD v4.1: 16 of 1,611,076 alleles (0.00099%); highest among the groups gnomAD compares: South Asian, 0.0033%; no homozygotes.

Submissions (5):

GeneDx
Classification: Likely pathogenic. Last evaluated: 2026-09-01. Review status: criteria provided, single submitter. Criteria: GeneDx Variant Classification Process June 2021. Collection method: clinical testing. Allele origin: germline.
Comment: Observed as homozygous or with a second variant in NDUFS1 in patients with features consistent with NDUFS1-related mitochondrial complex I deficiency referred for testing at GeneDx and in published literature (PMID: 20382551, 39118480); In silico analysis supports that this missense variant has a deleterious effect on protein structure/function; Not observed at significant frequency in large population cohorts (gnomAD); This variant is associated with the following publications: (PMID: 22820119, 22664328, 31589614, 30055843, 22142868, 36042640, 22972949, 36918699, 25615419, Ventura2026[Preprint], 20819849, 20382551, 39118480)

Women's Health and Genetics/Laboratory Corporation of America, LabCorp
Classification: Likely pathogenic for Mitochondrial complex I deficiency, nuclear type 5. Last evaluated: 2025-12-16. Review status: criteria provided, single submitter. Criteria: LabCorp Variant Classification Summary - May 2015. Collection method: clinical testing. Allele origin: germline.
Comment: Variant summary: NDUFS1 c.1222C>T (p.Arg408Cys) results in a non-conservative amino acid change in the encoded protein sequence. Algorithms developed to predict the effect of missense changes on protein structure and function all suggest that this variant is likely to be disruptive. The variant allele was found at a frequency of 8e-06 in 251462 control chromosomes. c.1222C>T has been observed in the homozygous state in 1 family with 2 siblings affected with Mitochondrial Complex 1 Deficiency and in another family with 2 siblings affected with Leigh syndrome (example: Hoefs_2010, Tuppen_2010). These data indicate that the variant is very likely to be associated with disease. At least one publication reports experimental evidence evaluating an impact on protein function. Specifically, a decreased amount and activity of complex I was demonstrated in cultured fibroblasts from an individual homozygous for the variant of interest and a disturbed assembly pattern was demonstrated in cultured fibroblasts from two homozygous individuals (example: Hoefs_2010, Tuppen_2010). The following publications have been ascertained in the context of this evaluation (PMID: 20382551, 20819849). The following publications have been ascertained in the context of this evaluation (PMID: 20819849, 20382551, 22972949, 22142868, 25615419, 31589614, 36042640, 36918699, 39118480). ClinVar contains an entry for this variant (Variation ID: 50924). Based on the evidence outlined above, the variant was classified as likely pathogenic.

Labcorp Genetics (formerly Invitae), Labcorp
Classification: Pathogenic. Last evaluated: 2025-08-18. Review status: criteria provided, single submitter. Criteria: Invitae Variant Classification Sherloc (09022015). Collection method: clinical testing. Allele origin: germline.
Comment: This sequence change replaces arginine, which is basic and polar, with cysteine, which is neutral and slightly polar, at codon 408 of the NDUFS1 protein (p.Arg408Cys). This variant is present in population databases (rs149271416, gnomAD 0.004%). This missense change has been observed in individuals with mitochondrial complex I deficiency (PMID: 20382551, 20819849). It has also been observed to segregate with disease in related individuals. ClinVar contains an entry for this variant (Variation ID: 50924). Invitae Evidence Modeling of protein sequence and biophysical properties (such as structural, functional, and spatial information, amino acid conservation, physicochemical variation, residue mobility, and thermodynamic stability) indicates that this missense variant is expected to disrupt NDUFS1 protein function with a positive predictive value of 95%. For these reasons, this variant has been classified as Pathogenic.

PreventionGenetics, part of Exact Sciences
Classification: Likely pathogenic for NDUFS1-related condition. Last evaluated: 2025-01-09. Review status: criteria provided, single submitter. Criteria: ACMG Guidelines, 2015. Collection method: clinical testing. Allele origin: germline.
Comment: The NDUFS1 c.1222C>T variant is predicted to result in the amino acid substitution p.Arg408Cys. This variant has been reported in the homozygous state in individuals from two families with mitochondrial complex I deficiency and segregates with the disease in both families (Hoefs et al. 2010. PubMed ID: 20382551; Tuppen et al. 2010. PubMed ID: 20819849). This variant is reported in 0.0040% of alleles in individuals of African descent in gnomAD. Taken together, we classify this deletion as likely pathogenic.

OMIM
Classification: Pathogenic for MITOCHONDRIAL COMPLEX I DEFICIENCY, NUCLEAR TYPE 5. Last evaluated: 2010-07-01. Review status: no assertion criteria provided. Collection method: literature only. Allele origin: germline. Not counted in ClinVar's aggregate classification.

Literature cited by the submitters: PubMed 25615419 (cited by Women's Health and Genetics/Laboratory Corporation of America, LabCorp); PubMed 31589614 (cited by Women's Health and Genetics/Laboratory Corporation of America, LabCorp); PubMed 20819849 (cited by Women's Health and Genetics/Laboratory Corporation of America, LabCorp and Labcorp Genetics (formerly Invitae), Labcorp); PubMed 22972949 (cited by Women's Health and Genetics/Laboratory Corporation of America, LabCorp); PubMed 36918699 (cited by Women's Health and Genetics/Laboratory Corporation of America, LabCorp); PubMed 39118480 (cited by Women's Health and Genetics/Laboratory Corporation of America, LabCorp); PubMed 36042640 (cited by Women's Health and Genetics/Laboratory Corporation of America, LabCorp); PubMed 22142868 (cited by Women's Health and Genetics/Laboratory Corporation of America, LabCorp); PubMed 20382551 (cited by 3 submitters).

NM_005006.7(NDUFS1):c.1222C>T (p.Arg408Cys)

Gene: NDUFS1 (NADH:ubiquinone oxidoreductase core subunit S1; minus strand). Cytogenetic location: 2q33.3.
Variant type: single nucleotide variant.
Coding change: c.1222C>T on transcript NM_005006.7 (MANE Select); coding-DNA position 1222, C replaced by T.
Protein change: p.Arg408Cys; replaces arginine 408 with cysteine.
Molecular consequence: missense variant.
Genome position (GRCh38, 1-based): chr2:206,141,981, G>A on the plus strand (C>T on the coding strand, the complement: NDUFS1 is on the minus strand). VCF-style: chr2-206141981-G-A. GRCh37 (hg19) VCF-style: chr2-207006705-G-A.
Other names: c.1114C>T, p.Arg372Cys (NM_001199981.2); c.889C>T, p.Arg297Cys (NM_001199982.2); c.1051C>T, p.Arg351Cys (NM_001199983.2); c.1264C>T, p.Arg422Cys (NM_001199984.2); short protein forms R408C, R351C, R297C, R422C, R372C.
Identifiers: ClinVar variation 50924 (VCV000050924.16), dbSNP rs149271416, ClinGen allele CA143873.